The following is an entry in ClinVar:

NM_032620.4(GTPBP3):c.725G>A (p.Arg242His)

Gene: GTPBP3 (GTP binding protein 3, mitochondrial; plus strand). Cytogenetic location: 19p13.11.
Variant type: single nucleotide variant.
Coding change: c.725G>A on transcript NM_032620.4 (MANE Select); coding-DNA position 725, G replaced by A.
Protein change: p.Arg242His; replaces arginine 242 with histidine.
Molecular consequence: missense variant.
Genome position (GRCh38, 1-based): chr19:17,339,183, G>A. VCF-style: chr19-17339183-G-A. GRCh37 (hg19) VCF-style: chr19-17449992-G-A.
Other names: c.725G>A, p.Arg242His (NM_001128855.3); c.791G>A, p.Arg264His (NM_001195422.1); c.821G>A, p.Arg274His (NM_133644.4); c.821G>A (NM_133644.3); short protein forms R242H, R264H, R274H.
Identifiers: ClinVar variation 1426594 (VCV001426594.9), dbSNP rs1312231447, ClinGen allele CA404736726.

ClinVar aggregate classification (germline): Uncertain significance. Review status: criteria provided, multiple submitters, no conflicts (2 of 4 stars). 2 submissions from 2 submitters: Uncertain significance (2). Last evaluated 2022-12-06.

Conditions:
Inborn genetic diseases. Identifiers: MedGen C0950123, MeSH D030342.

Allele frequency attached by ClinVar (database versions not stated): gnomAD exomes below 0.00001.
gnomAD v4.1: 3 of 1,613,632 alleles (0.00019%); highest among the groups gnomAD compares: East Asian, 0.0022%; no homozygotes.

Submissions (2):

Labcorp Genetics (formerly Invitae), Labcorp
Classification: Uncertain significance. Last evaluated: 2022-12-06. Review status: criteria provided, single submitter. Criteria: Invitae Variant Classification Sherloc (09022015). Collection method: clinical testing. Allele origin: germline.
Comment: In summary, the available evidence is currently insufficient to determine the role of this variant in disease. Therefore, it has been classified as a Variant of Uncertain Significance. Advanced modeling of protein sequence and biophysical properties (such as structural, functional, and spatial information, amino acid conservation, physicochemical variation, residue mobility, and thermodynamic stability) performed at Invitae indicates that this missense variant is not expected to disrupt GTPBP3 protein function. ClinVar contains an entry for this variant (Variation ID: 1426594). This variant has not been reported in the literature in individuals affected with GTPBP3-related conditions. This variant is present in population databases (no rsID available, gnomAD 0.01%). This sequence change replaces arginine, which is basic and polar, with histidine, which is basic and polar, at codon 274 of the GTPBP3 protein (p.Arg274His).

Ambry Genetics
Classification: Uncertain significance for Inborn genetic diseases. Last evaluated: 2022-11-07. Review status: criteria provided, single submitter. Criteria: Ambry Variant Classification Scheme 2023. Collection method: clinical testing. Allele origin: germline.